The following is an entry in ClinVar:

ClinVar aggregate classification (germline): Uncertain significance (1 of 4 stars; one submission).

gnomAD v4.1: 2 of 1,583,920 alleles (0.00013%); highest among the groups gnomAD compares: Admixed American, 0.0034%; no homozygotes.

Submission:

CeGaT Center for Human Genetics Tuebingen
Classification: Uncertain significance. Last evaluated: 2026-08-01. Review status: criteria provided, single submitter. Criteria: CeGaT Center For Human Genetics Tuebingen Variant Classification Criteria Version 2. Collection method: clinical testing. Allele origin: germline. Affected: yes. Observed: 1 variant allele.
Comment: NIPBL: PM2, PP2

NM_133433.4(NIPBL):c.6613A>T (p.Ser2205Cys)

Gene: NIPBL (NIPBL cohesin loading factor; plus strand). Cytogenetic location: 5p13.2.
Variant type: single nucleotide variant.
Coding change: c.6613A>T on transcript NM_133433.4 (MANE Select); coding-DNA position 6613, A replaced by T.
Protein change: p.Ser2205Cys; replaces serine 2205 with cysteine.
Molecular consequence: missense variant.
Genome position (GRCh38, 1-based): chr5:37,048,525, A>T. VCF-style: chr5-37048525-A-T. GRCh37 (hg19) VCF-style: chr5-37048627-A-T.
Other names: c.6613A>T, p.Ser2205Cys (NM_001438586.1, NM_015384.5); short protein forms S2205C.
Identifiers: ClinVar variation 5039992 (VCV005039992.1).